The following is an entry in ClinVar:

NM_012431.3(SEMA3E):c.229C>T (p.Leu77Phe)

Gene: SEMA3E (semaphorin 3E; minus strand). Cytogenetic location: 7q21.11.
Variant type: single nucleotide variant.
Coding change: c.229C>T on transcript NM_012431.3 (MANE Select); coding-DNA position 229, C replaced by T.
Protein change: p.Leu77Phe; replaces leucine 77 with phenylalanine.
Molecular consequence: missense variant.
Genome position (GRCh38, 1-based): chr7:83,490,161, G>A on the plus strand (C>T on the coding strand, the complement: SEMA3E is on the minus strand). VCF-style: chr7-83490161-G-A. GRCh37 (hg19) VCF-style: chr7-83119477-G-A.
Other names: c.229C>T (NM_012431.2); c.49C>T, p.Leu17Phe (NM_001178129.2); short protein forms L17F, L77F.
Identifiers: ClinVar variation 2901335 (VCV002901335.5), dbSNP rs777754774, ClinGen allele CA4322420.

ClinVar aggregate classification (germline): Uncertain significance. Review status: criteria provided, multiple submitters, no conflicts (2 of 4 stars). 3 submissions from 3 submitters: Uncertain significance (3). Last evaluated 2026-07-20.

Conditions:
SEMA3E-related disorder. Also called: SEMA3E-related condition.
CHARGE syndrome (CHARGE). Also called: Hittner Hirsch Kreh syndrome; CHARGE ASSOCIATION--COLOBOMA, HEART ANOMALY, CHOANAL ATRESIA, RETARDATION, GENITAL AND EAR ANOMALIES; Coloboma, heart anomaly, choanal atresia, retardation, genital and ear anomalies; CHARGE association; Hall-Hittner syndrome. Identifiers: Orphanet 138, MedGen C0265354, MONDO:0008965.

Allele frequency attached by ClinVar (database versions not stated): ExAC 0.00002.
gnomAD v4.1: 11 of 1,612,904 alleles (0.00068%); highest among the groups gnomAD compares: East Asian, 0.011%; no homozygotes.

Submissions (3):

PreventionGenetics, part of Exact Sciences
Classification: Uncertain significance for SEMA3E-related condition. Last evaluated: 2026-07-20. Review status: criteria provided, single submitter. Criteria: ACMG Guidelines, 2015. Collection method: clinical testing. Allele origin: germline.
Comment: The SEMA3E c.229C>T variant is predicted to result in the amino acid substitution p.Leu77Phe. To our knowledge, this variant has not been reported in the literature. This variant is reported in 0.027% of alleles in individuals of East Asian descent in gnomAD. At this time, the clinical significance of this variant is uncertain due to the absence of conclusive functional and genetic evidence.

Labcorp Genetics (formerly Invitae), Labcorp
Classification: Uncertain significance for CHARGE syndrome. Last evaluated: 2023-08-04. Review status: criteria provided, single submitter. Criteria: Invitae Variant Classification Sherloc (09022015). Collection method: clinical testing. Allele origin: germline.
Comment: In summary, the available evidence is currently insufficient to determine the role of this variant in disease. Therefore, it has been classified as a Variant of Uncertain Significance. Advanced modeling of protein sequence and biophysical properties (such as structural, functional, and spatial information, amino acid conservation, physicochemical variation, residue mobility, and thermodynamic stability) performed at Invitae indicates that this missense variant is not expected to disrupt SEMA3E protein function. This variant has not been reported in the literature in individuals affected with SEMA3E-related conditions. This variant is present in population databases (rs777754774, gnomAD 0.03%). This sequence change replaces leucine, which is neutral and non-polar, with phenylalanine, which is neutral and non-polar, at codon 77 of the SEMA3E protein (p.Leu77Phe).

Blueprint Genetics
Classification: Uncertain significance. Last evaluated: 2021-06-15. Review status: criteria provided, single submitter. Criteria: ACMG Guidelines, 2015. Collection method: clinical testing. Allele origin: germline.